The following is an entry in ClinVar:

ClinVar aggregate classification (germline): Uncertain significance. Review status: criteria provided, multiple submitters, no conflicts (2 of 4 stars). 2 submissions from 2 submitters: Uncertain significance (2). Last evaluated 2025-08-10.

Conditions:
Hereditary cancer-predisposing syndrome. Also called: Tumor predisposition; Hereditary neoplastic syndrome; Hereditary Cancer Syndrome; Neoplastic Syndromes, Hereditary. Identifiers: Orphanet 140162, MedGen C0027672, MeSH D009386, MONDO:0015356.
Familial thoracic aortic aneurysm and aortic dissection (TAAD). Also called: Thoracic aortic aneurysms and dissections. Identifiers: Orphanet 91387, MedGen C4707243, MONDO:0019625.
Juvenile polyposis syndrome (JPS). Identifiers: Orphanet 2929, MedGen C0345893, MONDO:0017380, OMIM 174900.

Submissions (2):

Ambry Genetics
Classification: Uncertain significance for Hereditary cancer-predisposing syndrome; Familial thoracic aortic aneurysm and aortic dissection. Last evaluated: 2025-08-10. Review status: criteria provided, single submitter. Criteria: Ambry Variant Classification Scheme 2023. Collection method: clinical testing. Allele origin: germline.
Comment: The p.P198S variant (also known as c.592C>T), located in coding exon 4 of the SMAD4 gene, results from a C to T substitution at nucleotide position 592. The proline at codon 198 is replaced by serine, an amino acid with similar properties. This amino acid position is conserved. In addition, this alteration is predicted to be deleterious by in silico analysis. Based on the available evidence, the clinical significance of this variant remains unclear.

Labcorp Genetics (formerly Invitae), Labcorp
Classification: Uncertain significance for Juvenile polyposis syndrome. Last evaluated: 2024-05-18. Review status: criteria provided, single submitter. Criteria: Invitae Variant Classification Sherloc (09022015). Collection method: clinical testing. Allele origin: germline.
Comment: This sequence change replaces proline, which is neutral and non-polar, with serine, which is neutral and polar, at codon 198 of the SMAD4 protein (p.Pro198Ser). This variant is not present in population databases (gnomAD no frequency). This variant has not been reported in the literature in individuals affected with SMAD4-related conditions. Advanced modeling of protein sequence and biophysical properties (such as structural, functional, and spatial information, amino acid conservation, physicochemical variation, residue mobility, and thermodynamic stability) has been performed at Invitae for this missense variant, however the output from this modeling did not meet the statistical confidence thresholds required to predict the impact of this variant on SMAD4 protein function. In summary, the available evidence is currently insufficient to determine the role of this variant in disease. Therefore, it has been classified as a Variant of Uncertain Significance.

NM_005359.6(SMAD4):c.592C>T (p.Pro198Ser)

Gene: SMAD4 (SMAD family member 4; plus strand). Cytogenetic location: 18q21.2.
Variant type: single nucleotide variant.
Coding change: c.592C>T on transcript NM_005359.6 (MANE Select); coding-DNA position 592, C replaced by T.
Protein change: p.Pro198Ser; replaces proline 198 with serine.
Molecular consequence: missense variant. On other transcripts: non-coding transcript variant (2).
Genome position (GRCh38, 1-based): chr18:51,054,918, C>T. VCF-style: chr18-51054918-C-T. GRCh37 (hg19) VCF-style: chr18-48581288-C-T.
Other names: c.592C>T, p.Pro198Ser (NM_001407041.1, NM_001407042.1, NM_001407043.1); short protein forms P198S.
Identifiers: ClinVar variation 3689593 (VCV003689593.3).